The following is an entry in ClinVar:

ClinVar aggregate classification (germline): Pathogenic (1 of 4 stars; one submission).

Submission:

Labcorp Genetics (formerly Invitae), Labcorp
Classification: Pathogenic. Last evaluated: 2022-10-03. Review status: criteria provided, single submitter. Criteria: Invitae Variant Classification Sherloc (09022015). Collection method: clinical testing. Allele origin: germline.
Comment: For these reasons, this variant has been classified as Pathogenic. Algorithms developed to predict the effect of sequence changes on RNA splicing suggest that this variant may disrupt the consensus splice site. ClinVar contains an entry for this variant (Variation ID: 1393012). This variant has not been reported in the literature in individuals affected with HTT-related conditions. This variant is not present in population databases (gnomAD no frequency). This sequence change creates a premature translational stop signal (p.Gln906*) in the HTT gene. It is expected to result in an absent or disrupted protein product. Loss-of-function variants in HTT are known to be pathogenic (PMID: 7550343, 7618107, 7774020, 27329733).

Literature cited by the submitters: PubMed 7550343; PubMed 7618107; PubMed 7774020; PubMed 27329733.

NM_001388492.1(HTT):c.2710C>T (p.Gln904Ter)

Gene: HTT (huntingtin; plus strand). Cytogenetic location: 4p16.3.
Variant type: single nucleotide variant.
Coding change: c.2710C>T on transcript NM_001388492.1 (MANE Select); coding-DNA position 2710, C replaced by T.
Protein change: p.Gln904Ter; replaces glutamine 904 with a stop codon.
Molecular consequence: nonsense.
Genome position (GRCh38, 1-based): chr4:3,136,238, C>T. VCF-style: chr4-3136238-C-T. GRCh37 (hg19) VCF-style: chr4-3137965-C-T.
Other names: c.2716C>T, p.Gln906Ter (NM_002111.8); short protein forms Q904*, Q906*.
Identifiers: ClinVar variation 1393012 (VCV001393012.6), dbSNP rs2110193521, ClinGen allele CA356091614.